The following is an entry in ClinVar:

NM_001048174.2(MUTYH):c.545A>G (p.Gln182Arg)

Gene: MUTYH (mutY DNA glycosylase; minus strand). Cytogenetic location: 1p34.1.
Variant type: single nucleotide variant.
Coding change: c.545A>G on transcript NM_001048174.2 (MANE Select); coding-DNA position 545, A replaced by G.
Protein change: p.Gln182Arg; replaces glutamine 182 with arginine.
Molecular consequence: missense variant. On other transcripts: non-coding transcript variant (2).
Genome position (GRCh38, 1-based): chr1:45,332,635, T>C on the plus strand (A>G on the coding strand, the complement: MUTYH is on the minus strand). VCF-style: chr1-45332635-T-C. GRCh37 (hg19) VCF-style: chr1-45798307-T-C.
Other names: c.545A>G, p.Gln182Arg (NM_001048171.2, NM_001048173.2, NM_001293195.2); c.548A>G, p.Gln183Arg (NM_001048172.2); c.629A>G, p.Gln210Arg (NM_001128425.2); c.590A>G, p.Gln197Arg (NM_001293190.2); c.578A>G, p.Gln193Arg (NM_001293191.2); c.269A>G, p.Gln90Arg (NM_001293192.2, NM_001293196.2); c.200A>G, p.Gln67Arg (NM_001350650.2, NM_001350651.2); c.620A>G, p.Gln207Arg (NM_012222.3); short protein forms Q182R, Q183R, Q197R, Q67R, Q90R, Q193R, Q207R, Q210R.
Identifiers: ClinVar variation 664993 (VCV000664993.8), dbSNP rs1570416757, ClinGen allele CA340135368.
Genomic context (GRCh38, chr1:45,332,635, plus strand): 5'-TGGCCAAAGGCGATAGAGGCAATGGCCCCAGCTGTGTAGCGCCCCACGCCAGGCAGGAGC[T>C]GCTGCAGGGTCTCTGCTGTACGTGGCATGTGGCCCCCTAGCTCCTCTACCACCTGATTGG-3'
Protein context (NP_001041639.1, residues 172-192): HMPRTAETLQ[Gln182Arg]LLPGVGRYTA

ClinVar aggregate classification (germline): Uncertain significance (1 of 4 stars; one submission).

Conditions:
Familial adenomatous polyposis 2. Also called: COLORECTAL ADENOMATOUS POLYPOSIS, AUTOSOMAL RECESSIVE; ADENOMAS, MULTIPLE COLORECTAL, AUTOSOMAL RECESSIVE; MYH-associated polyposis; MUTYH Polyposis; Adenomas, multiple colorectal; MUTYH-associated polyposis. Identifiers: Orphanet 220460, Orphanet 247798, MedGen C3272841, MONDO:0012041, OMIM 608456.

Submission:

Labcorp Genetics (formerly Invitae), Labcorp
Classification: Uncertain significance for Familial adenomatous polyposis 2. Last evaluated: 2022-10-17. Review status: criteria provided, single submitter. Criteria: Invitae Variant Classification Sherloc (09022015). Collection method: clinical testing. Allele origin: germline.
Comment: This sequence change replaces glutamine, which is neutral and polar, with arginine, which is basic and polar, at codon 210 of the MUTYH protein (p.Gln210Arg). This variant is not present in population databases (gnomAD no frequency). This variant has not been reported in the literature in individuals affected with MUTYH-related conditions. ClinVar contains an entry for this variant (Variation ID: 664993). Algorithms developed to predict the effect of missense changes on protein structure and function output the following: SIFT: "Tolerated"; PolyPhen-2: "Benign"; Align-GVGD: "Class C0". The arginine amino acid residue is found in multiple mammalian species, which suggests that this missense change does not adversely affect protein function. In summary, the available evidence is currently insufficient to determine the role of this variant in disease. Therefore, it has been classified as a Variant of Uncertain Significance.